The following is an entry in ClinVar:

ClinVar aggregate classification (germline): Benign (0 of 4 stars; one submission).

Conditions:
CASP12-related disorder. Also called: CASP12-related condition.

Allele frequency attached by ClinVar (database versions not stated): gnomAD 0.01362; TOPMed 0.01548; 1000 Genomes Project 0.01677; gnomAD exomes 0.00131; ExAC 0.00244; 1000 Genomes Project 30x 0.01780.

Submission:

PreventionGenetics, part of Exact Sciences
Classification: Benign for CASP12-related condition. Last evaluated: 2020-01-13. Review status: no assertion criteria provided. Collection method: clinical testing. Allele origin: germline.
Comment: This variant is classified as benign based on ACMG/AMP sequence variant interpretation guidelines (Richards et al. 2015 PMID: 25741868, with internal and published modifications).

NM_001191016.3(CASP12):c.98A>T (p.Asn33Ile)

Gene: CASP12 (caspase 12 (gene/pseudogene); minus strand). Cytogenetic location: 11q22.3.
Variant type: single nucleotide variant.
Coding change: c.98A>T on transcript NM_001191016.3 (MANE Select); coding-DNA position 98, A replaced by T.
Protein change: p.Asn33Ile; replaces asparagine 33 with isoleucine.
Molecular consequence: missense variant. On other transcripts: non-coding transcript variant (7).
Genome position (GRCh38, 1-based): chr11:104,897,378, T>A on the plus strand (A>T on the coding strand, the complement: CASP12 is on the minus strand). VCF-style: chr11-104897378-T-A. GRCh37 (hg19) VCF-style: chr11-104768105-T-A.
Other names: short protein forms N33I.
Identifiers: ClinVar variation 3043584 (VCV003043584.2), dbSNP rs115063404, ClinGen allele CA6256401.
Genomic context (GRCh38, chr11:104,897,378, plus strand): 5'-CTCACCACAAACTTTAGACATTTTCCTATAAGGTGTATCTCATCTGTATTTAACACATTA[T>A]TTTCCATCAAATCATCAAAAATGCCATCTAGAAAGGTCTTGATCAGCAACTTCACCATGT-3'
Protein context (NP_001177945.2, residues 23-43): LDGIFDDLME[Asn33Ile]NVLNTDEIHL